The following is an entry in ClinVar:

ClinVar aggregate classification (germline): Uncertain significance. Review status: criteria provided, multiple submitters, no conflicts (2 of 4 stars). 2 submissions from 2 submitters: Uncertain significance (2). Last evaluated 2024-09-23.

Conditions:
Hereditary cancer-predisposing syndrome. Also called: Tumor predisposition; Hereditary neoplastic syndrome; Neoplastic Syndromes, Hereditary; Hereditary Cancer Syndrome. Identifiers: Orphanet 140162, MedGen C0027672, MeSH D009386, MONDO:0015356.

gnomAD v4.1: 2 of 1,613,980 alleles (0.00012%); highest among the groups gnomAD compares: Non-Finnish European, 0.00017%; no homozygotes.

Submissions (2):

Ambry Genetics
Classification: Uncertain significance for Hereditary cancer-predisposing syndrome. Last evaluated: 2024-09-23. Review status: criteria provided, single submitter. Criteria: Ambry Variant Classification Scheme 2023. Collection method: clinical testing. Allele origin: germline.
Comment: The p.Q153P variant (also known as c.458A>C), located in coding exon 3 of the CTNNA1 gene, results from an A to C substitution at nucleotide position 458. The glutamine at codon 153 is replaced by proline, an amino acid with similar properties. This amino acid position is conserved. In addition, the in silico prediction for this alteration is inconclusive. Based on the available evidence, the clinical significance of this variant remains unclear.

Labcorp Genetics (formerly Invitae), Labcorp
Classification: Uncertain significance. Last evaluated: 2021-03-10. Review status: criteria provided, single submitter. Criteria: Invitae Variant Classification Sherloc (09022015). Collection method: clinical testing. Allele origin: germline.
Comment: This sequence change replaces glutamine with proline at codon 153 of the CTNNA1 protein (p.Gln153Pro). The glutamine residue is highly conserved and there is a moderate physicochemical difference between glutamine and proline. This variant is not present in population databases (ExAC no frequency). This variant has not been reported in the literature in individuals with CTNNA1-related conditions. Algorithms developed to predict the effect of missense changes on protein structure and function are either unavailable or do not agree on the potential impact of this missense change (SIFT: "Deleterious"; PolyPhen-2: "Benign"; Align-GVGD: "Class C0"). In summary, the available evidence is currently insufficient to determine the role of this variant in disease. Therefore, it has been classified as a Variant of Uncertain Significance.

NM_001903.5(CTNNA1):c.458A>C (p.Gln153Pro)

Gene: CTNNA1 (catenin alpha 1; plus strand). Cytogenetic location: 5q31.2.
Variant type: single nucleotide variant.
Coding change: c.458A>C on transcript NM_001903.5 (MANE Select); coding-DNA position 458, A replaced by C.
Protein change: p.Gln153Pro; replaces glutamine 153 with proline.
Molecular consequence: missense variant.
Genome position (GRCh38, 1-based): chr5:138,810,194, A>C. VCF-style: chr5-138810194-A-C. GRCh37 (hg19) VCF-style: chr5-138145883-A-C.
Other names: c.458A>C (NM_001903.2); c.458A>C, p.Gln153Pro (NM_001290307.3, NM_001323982.2, NM_001323983.1 and 3 more transcripts); c.149A>C, p.Gln50Pro (NM_001290309.3); c.89A>C, p.Gln30Pro (NM_001290310.3); short protein forms Q30P, Q50P, Q153P.
Identifiers: ClinVar variation 1489991 (VCV001489991.9), dbSNP rs2149727588, ClinGen allele CA361123736.